The following is an entry in ClinVar:

NM_017763.6(RNF43):c.648G>A (p.Ser216=)

Gene: RNF43 (ring finger protein 43; minus strand). Cytogenetic location: 17q22.
Variant type: single nucleotide variant.
Coding change: c.648G>A on transcript NM_017763.6 (MANE Select); coding-DNA position 648, G replaced by A.
Protein change: p.Ser216=; no amino-acid change (serine 216 retained).
Molecular consequence: synonymous variant.
Genome position (GRCh38, 1-based): chr17:58,362,583, C>T on the plus strand (G>A on the coding strand, the complement: RNF43 is on the minus strand). VCF-style: chr17-58362583-C-T. GRCh37 (hg19) VCF-style: chr17-56439944-C-T.
Other names: c.648G>A, p.Ser216= (NM_001305544.3); c.267G>A, p.Ser89= (NM_001305545.2).
Identifiers: ClinVar variation 3789892 (VCV003789892.3).

ClinVar aggregate classification (germline): Benign/Likely benign. Review status: criteria provided, multiple submitters, no conflicts (2 of 4 stars). 3 submissions from 3 submitters: Benign (1); Likely benign (2). Last evaluated 2026-06-30.

Conditions:
Sessile serrated polyposis cancer syndrome (SSPCS). Identifiers: Orphanet 157798, MedGen C4310714, MONDO:0014919, OMIM 617108.

gnomAD v4.1: 14 of 1,611,902 alleles (0.00087%); highest among the groups gnomAD compares: East Asian, 0.0022%; no homozygotes.

Submissions (3):

Myriad Genetics, Inc.
Classification: Benign for Sessile serrated polyposis cancer syndrome. Last evaluated: 2026-06-30. Review status: criteria provided, single submitter. Criteria: Myriad Autosomal Dominant, Autosomal Recessive and X-Linked Classification Criteria (2023). Collection method: clinical testing. Allele origin: unknown.
Comment: This variant is considered benign. This variant is a silent/synonymous amino acid change and it is not expected to impact splicing.

Labcorp Genetics (formerly Invitae), Labcorp
Classification: Likely benign. Last evaluated: 2025-09-30. Review status: criteria provided, single submitter. Criteria: Invitae Variant Classification Sherloc (09022015). Collection method: clinical testing. Allele origin: germline.

Ambry Genetics
Classification: Likely benign. Last evaluated: 2025-01-09. Review status: criteria provided, single submitter. Criteria: Ambry Variant Classification Scheme 2023. Collection method: clinical testing. Allele origin: germline.